The following is an entry in ClinVar:

ClinVar aggregate classification (germline): Uncertain significance (1 of 4 stars; one submission).

Conditions:
Beckwith-Wiedemann syndrome (BWS). Also called: Exomphalos macroglossia gigantism syndrome; EMG SYNDROME. Identifiers: Orphanet 116, MedGen C0004903, MONDO:0007534, OMIM 130650.

Submission:

Labcorp Genetics (formerly Invitae), Labcorp
Classification: Uncertain significance for Beckwith-Wiedemann syndrome. Last evaluated: 2023-09-21. Review status: criteria provided, single submitter. Criteria: Invitae Variant Classification Sherloc (09022015). Collection method: clinical testing. Allele origin: germline.
Comment: In summary, the available evidence is currently insufficient to determine the role of this variant in disease. Therefore, it has been classified as a Variant of Uncertain Significance. Advanced modeling of protein sequence and biophysical properties (such as structural, functional, and spatial information, amino acid conservation, physicochemical variation, residue mobility, and thermodynamic stability) performed at Invitae indicates that this missense variant is not expected to disrupt CDKN1C protein function. ClinVar contains an entry for this variant (Variation ID: 2076464). This variant has not been reported in the literature in individuals affected with CDKN1C-related conditions. This variant is not present in population databases (gnomAD no frequency). This sequence change replaces alanine, which is neutral and non-polar, with threonine, which is neutral and polar, at codon 252 of the CDKN1C protein (p.Ala252Thr).

NM_001122630.2(CDKN1C):c.721G>A (p.Ala241Thr)

Gene: CDKN1C (cyclin dependent kinase inhibitor 1C; minus strand). Cytogenetic location: 11p15.4.
Variant type: single nucleotide variant.
Coding change: c.721G>A on transcript NM_001122630.2 (MANE Select); coding-DNA position 721, G replaced by A.
Protein change: p.Ala241Thr; replaces alanine 241 with threonine.
Molecular consequence: missense variant. On other transcripts: intron variant (1).
Genome position (GRCh38, 1-based): chr11:2,884,736, C>T on the plus strand (G>A on the coding strand, the complement: CDKN1C is on the minus strand). VCF-style: chr11-2884736-C-T. GRCh37 (hg19) VCF-style: chr11-2905966-C-T.
Other names: c.754G>A, p.Ala252Thr (NM_000076.2, NM_001362474.2); c.721G>A, p.Ala241Thr (NM_001122631.2); c.255+466G>A (NM_001362475.2); short protein forms A241T, A252T.
Identifiers: ClinVar variation 2076464 (VCV002076464.4), dbSNP rs2494383920, ClinGen allele CA379145647.